The following is an entry in ClinVar:

NM_007078.3(LDB3):c.1017T>G (p.Ala339=)

Gene: LDB3 (LIM domain binding 3; plus strand). Cytogenetic location: 10q23.2.
Variant type: single nucleotide variant.
Coding change: c.1017T>G on transcript NM_007078.3 (MANE Select); coding-DNA position 1017, T replaced by G.
Protein change: p.Ala339=; no amino-acid change (alanine 339 retained).
Molecular consequence: synonymous variant. On other transcripts: intron variant (4).
Genome position (GRCh38, 1-based): chr10:86,706,651, T>G. VCF-style: chr10-86706651-T-G. GRCh37 (hg19) VCF-style: chr10-88466408-T-G.
Other names: c.876T>G, p.Ala292= (NM_001368066.1); c.897-3254T>G (NM_001368064.1, NM_001368065.1); c.1101-3254T>G (NM_001171610.2); c.756-3254T>G (NM_001080114.2).
Identifiers: ClinVar variation 178902 (VCV000178902.15), dbSNP rs727504526, ClinGen allele CA183266.

ClinVar aggregate classification (germline): Likely benign. Review status: criteria provided, multiple submitters, no conflicts (2 of 4 stars). 3 submissions from 3 submitters: Likely benign (3). Last evaluated 2022-12-09.

Conditions:
Cardiovascular phenotype. Identifiers: MedGen CN230736.
Myofibrillar myopathy 4. Also called: Zaspopathy (type). Identifiers: Orphanet 98912, MedGen C4721886, MONDO:0012277, OMIM 609452.

Allele frequency attached by ClinVar (database versions not stated): gnomAD exomes below 0.00001 and 0.00002; gnomAD 0.00001; TOPMed 0.00001; ExAC 0.00002.
gnomAD v4.1: 7 of 1,613,054 alleles (0.00043%); highest among the groups gnomAD compares: East Asian, 0.016%; no homozygotes.

Submissions (3):

Ambry Genetics
Classification: Likely benign for Cardiovascular phenotype. Last evaluated: 2022-12-09. Review status: criteria provided, single submitter. Criteria: Ambry Variant Classification Scheme 2023. Collection method: clinical testing. Allele origin: germline.

Labcorp Genetics (formerly Invitae), Labcorp
Classification: Likely benign for Myofibrillar myopathy 4. Last evaluated: 2021-04-12. Review status: criteria provided, single submitter. Criteria: Invitae Variant Classification Sherloc (09022015). Collection method: clinical testing. Allele origin: germline.

Laboratory for Molecular Medicine, Mass General Brigham Personalized Medicine
Classification: Likely benign. Last evaluated: 2013-04-26. Review status: criteria provided, single submitter. Criteria: LMM Criteria. Collection method: clinical testing. Allele origin: germline. Observed: 1 variant allele.
Comment: Ala339Ala in exon 10 of LDB3: This variant is not expected to have clinical sign ificance because it does not alter an amino acid residue and is not located with in the splice consensus sequence. Ala339Ala in exon 10 of LDB3 (allele frequenc y = n/a)